The following is an entry in ClinVar:

ClinVar aggregate classification (germline): Benign/Likely benign. Review status: criteria provided, multiple submitters, no conflicts (2 of 4 stars). 6 submissions from 6 submitters: Benign (4); Likely benign (2). Last evaluated 2026-01-28.

Conditions:
Cardiomyopathy (CMYO). Also called: Cardiomyopathies. Identifiers: Orphanet 167848, MedGen C0878544, MONDO:0004994, HP:0001638. Inheritance: Various modes of inheritance.
Hypertrophic cardiomyopathy. Also called: HYPERTROPHIC MYOCARDIOPATHY. Identifiers: Orphanet 217569, MedGen C0007194, MeSH D002312, MONDO:0005045, HP:0001639.

Allele frequency attached by ClinVar (database versions not stated): gnomAD exomes 0.00005 and 0.00015; ExAC 0.00017; ESP Exome Variant Server 0.00038; gnomAD 0.00048; TOPMed 0.00065; 1000 Genomes Project 30x 0.00078; 1000 Genomes Project 0.00080.
gnomAD v4.1: 174 of 1,611,660 alleles (0.011%); highest among the groups gnomAD compares: African/African-American, 0.2%; no homozygotes.

Submissions (6):

Labcorp Genetics (formerly Invitae), Labcorp
Classification: Likely benign for Hypertrophic cardiomyopathy. Last evaluated: 2026-01-28. Review status: criteria provided, single submitter. Criteria: Invitae Variant Classification Sherloc (09022015). Collection method: clinical testing. Allele origin: germline.

All of Us Research Program, National Institutes of Health
Classification: Benign for Hypertrophic cardiomyopathy. Last evaluated: 2023-12-18. Review status: criteria provided, single submitter. Criteria: ACMG Guidelines, 2015. Collection method: clinical testing. Allele origin: germline. Inheritance: Autosomal dominant inheritance. Observed: 33 variant alleles, 33 heterozygotes.
Comment: This study involves interpretation of variants in research participants for the purpose of population health screening. Participant phenotype was not available at the time of variant classification. Additional details can be found in publication PMID: 35346344, PMCID: PMC8962531

Color Diagnostics, LLC DBA Color Health
Classification: Benign for Cardiomyopathy. Last evaluated: 2018-11-16. Review status: criteria provided, single submitter. Criteria: ACMG Guidelines, 2015. Collection method: clinical testing. Allele origin: germline.

Women's Health and Genetics/Laboratory Corporation of America, LabCorp
Classification: Benign. Last evaluated: 2017-05-18. Review status: criteria provided, single submitter. Criteria: LabCorp Variant Classification Summary - May 2015. Collection method: clinical testing. Allele origin: germline.
Comment: Variant summary: The MYL3 c.482-14C>A variant involves the alteration of a non-conserved intronic nucleotide. One in silico tool predicts a benign outcome for this variant. 3/5 splice prediction tools predict no significant impact on normal splicing. ESE finder predicts that the variant may introduce an SF2/ASF ESE site at the locus. However, these predictions have yet to be confirmed by functional studies. This variant was found in the large control database ExAC in 21 of 120512 control chromosomes from all ethnicities, but was observed predominantly in the African subpopulation at a frequency of 0.001747 (18/10302). This frequency is about 70 times the estimated maximal expected allele frequency of a pathogenic MYL3 variant (0.000025), strongly suggesting this is likely a benign polymorphism found primarily in the populations of African origin. In the literature, the variant was identified in a patient with cardiomyopathy, but without strong support for pathogenicity. In addition, multiple clinical diagnostic laboratories/reputable databases classified this variant as likely benign or benign. Taken together, this variant is classified as benign.

Laboratory for Molecular Medicine, Mass General Brigham Personalized Medicine
Classification: Likely benign. Last evaluated: 2012-04-11. Review status: criteria provided, single submitter. Criteria: LMM Criteria. Collection method: clinical testing. Allele origin: germline. Observed: 2 variant alleles.
Comment: 482-14C>A in MYL3: This variant is not expected to have clinical significance be cause it has been identified in 0.16% (6/3738) of African American chromosomes from a broad population by the NHLBI Exome Sequencing Project 482-14C>A in MYL3 (allele frequency = 0.16%, 6/3738) **

GeneDx
Classification: Benign. Last evaluated: 2011-07-16. Review status: criteria provided, single submitter. Criteria: GeneDx Variant Classification (06012015). Collection method: clinical testing. Allele origin: germline. Affected: yes.
Comment: This variant is considered likely benign or benign based on one or more of the following criteria: it is a conservative change, it occurs at a poorly conserved position in the protein, it is predicted to be benign by multiple in silico algorithms, and/or has population frequency not consistent with disease.

Literature cited by the submitters: PubMed 24503780 (cited by Women's Health and Genetics/Laboratory Corporation of America, LabCorp).

NM_000258.3(MYL3):c.482-14C>A

Gene: MYL3 (myosin light chain 3; minus strand). Cytogenetic location: 3p21.31.
Variant type: single nucleotide variant.
Coding change: c.482-14C>A on transcript NM_000258.3 (MANE Select); 14 bases into the intron before coding-DNA position 482, C replaced by A.
Molecular consequence: intron variant.
Genome position (GRCh38, 1-based): chr3:46,858,475, G>T on the plus strand (C>A on the coding strand, the complement: MYL3 is on the minus strand). VCF-style: chr3-46858475-G-T. GRCh37 (hg19) VCF-style: chr3-46899965-G-T.
Identifiers: ClinVar variation 43125 (VCV000043125.16), dbSNP rs201780962, ClinGen allele CA013914.
Genomic context (GRCh38, chr3:46,858,475, plus strand): 5'-TTGCCCAGCCATCAACTTCTCCACTTCGTCTTCTGTCAGCCTCTCACCTGGCAGGAGTGG[G>T]AGGCTGAGTCAGCACCGTGCGTGCAGAGGCATGATGGGGTGGGGGCACCCACTGAATCCC-3'